The following is an entry in ClinVar:

ClinVar aggregate classification (germline): Uncertain significance. Review status: criteria provided, multiple submitters, no conflicts (2 of 4 stars). 2 submissions from 2 submitters: Uncertain significance (2). Last evaluated 2022-02-01.

Allele frequency attached by ClinVar (database versions not stated): gnomAD exomes below 0.00001 and 0.00002; TOPMed below 0.00001; ExAC 0.00001; gnomAD 0.00001.
gnomAD v4.1: 7 of 1,613,668 alleles (0.00043%); highest among the groups gnomAD compares: East Asian, 0.013%; no homozygotes.

Submissions (2):

Labcorp Genetics (formerly Invitae), Labcorp
Classification: Uncertain significance. Last evaluated: 2022-02-01. Review status: criteria provided, single submitter. Criteria: Invitae Variant Classification Sherloc (09022015). Collection method: clinical testing. Allele origin: germline.
Comment: This sequence change replaces serine, which is neutral and polar, with asparagine, which is neutral and polar, at codon 858 of the PCDH15 protein (p.Ser858Asn). This variant is present in population databases (rs775276705, gnomAD 0.02%). This variant has not been reported in the literature in individuals affected with PCDH15-related conditions. Algorithms developed to predict the effect of missense changes on protein structure and function are either unavailable or do not agree on the potential impact of this missense change (SIFT: "Deleterious"; PolyPhen-2: "Possibly Damaging"; Align-GVGD: "Class C0"). In summary, the available evidence is currently insufficient to determine the role of this variant in disease. Therefore, it has been classified as a Variant of Uncertain Significance.

Blueprint Genetics
Classification: Uncertain significance. Last evaluated: 2021-08-03. Review status: criteria provided, single submitter. Criteria: ACMG Guidelines, 2015. Collection method: clinical testing. Allele origin: germline.

NM_001384140.1(PCDH15):c.2573G>A (p.Ser858Asn)

Gene: PCDH15 (protocadherin related 15; minus strand). Cytogenetic location: 10q21.1.
Variant type: single nucleotide variant.
Coding change: c.2573G>A on transcript NM_001384140.1 (MANE Select); coding-DNA position 2573, G replaced by A.
Protein change: p.Ser858Asn; replaces serine 858 with asparagine.
Molecular consequence: missense variant.
Genome position (GRCh38, 1-based): chr10:54,020,370, C>T on the plus strand (G>A on the coding strand, the complement: PCDH15 is on the minus strand). VCF-style: chr10-54020370-C-T. GRCh37 (hg19) VCF-style: chr10-55780130-C-T.
Other names: c.2588G>A, p.Ser863Asn (NM_001142763.2, NM_001142771.2); c.2573G>A, p.Ser858Asn (NM_001142764.2, NM_001142766.2, NM_001142770.3 and 5 more transcripts); c.2360G>A, p.Ser787Asn (NM_001142765.2); c.2462G>A, p.Ser821Asn (NM_001142767.2); c.2507G>A, p.Ser836Asn (NM_001142768.2, NM_001142773.2, NM_001354404.2); c.2609G>A, p.Ser870Asn (NM_001142769.4); c.2594G>A, p.Ser865Asn (NM_001354411.2); short protein forms S865N, S870N, S858N, S863N, S787N, S821N, S836N.
Identifiers: ClinVar variation 1445270 (VCV001445270.4), dbSNP rs775276705, ClinGen allele CA5505980.